The following is an entry in ClinVar:

NM_004329.3(BMPR1A):c.1049A>T (p.Tyr350Phe)

Gene: BMPR1A (bone morphogenetic protein receptor type 1A; plus strand). Cytogenetic location: 10q23.2.
Variant type: single nucleotide variant.
Coding change: c.1049A>T on transcript NM_004329.3 (MANE Select); coding-DNA position 1049, A replaced by T.
Protein change: p.Tyr350Phe; replaces tyrosine 350 with phenylalanine.
Molecular consequence: missense variant.
Genome position (GRCh38, 1-based): chr10:86,919,352, A>T. VCF-style: chr10-86919352-A-T. GRCh37 (hg19) VCF-style: chr10-88679109-A-T.
Other names: short protein forms Y350F.
Identifiers: ClinVar variation 647896 (VCV000647896.13), dbSNP rs1589291722, ClinGen allele CA377460699.

ClinVar aggregate classification (germline): Uncertain significance. Review status: criteria provided, multiple submitters, no conflicts (2 of 4 stars). 3 submissions from 3 submitters: Uncertain significance (3). Last evaluated 2024-04-10.

Conditions:
Juvenile polyposis syndrome (JPS). Identifiers: Orphanet 2929, MedGen C0345893, MONDO:0017380, OMIM 174900.
Hereditary cancer-predisposing syndrome. Also called: Hereditary Cancer Syndrome; Tumor predisposition; Neoplastic Syndromes, Hereditary; Hereditary neoplastic syndrome. Identifiers: Orphanet 140162, MedGen C0027672, MeSH D009386, MONDO:0015356.

gnomAD v4.1: 1 of 1,613,424 alleles (0.000062%); highest among the groups gnomAD compares: East Asian, 0.0022%; no homozygotes.

Submissions (3):

Labcorp Genetics (formerly Invitae), Labcorp
Classification: Uncertain significance for Juvenile polyposis syndrome. Last evaluated: 2024-04-10. Review status: criteria provided, single submitter. Criteria: Invitae Variant Classification Sherloc (09022015). Collection method: clinical testing. Allele origin: germline.
Comment: This sequence change replaces tyrosine, which is neutral and polar, with phenylalanine, which is neutral and non-polar, at codon 350 of the BMPR1A protein (p.Tyr350Phe). This variant is not present in population databases (gnomAD no frequency). This variant has not been reported in the literature in individuals affected with BMPR1A-related conditions. ClinVar contains an entry for this variant (Variation ID: 647896). Advanced modeling performed at Invitae incorporating data from internal and/or published experimental studies (Invitae) indicates that this missense variant is not expected to disrupt BMPR1A function with a negative predictive value of 95%. In summary, the available evidence is currently insufficient to determine the role of this variant in disease. Therefore, it has been classified as a Variant of Uncertain Significance.

All of Us Research Program, National Institutes of Health
Classification: Uncertain significance for Juvenile polyposis syndrome. Last evaluated: 2023-05-04. Review status: criteria provided, single submitter. Criteria: ACMG Guidelines, 2015. Collection method: clinical testing. Allele origin: germline. Inheritance: Autosomal dominant inheritance. Observed: 1 variant allele, 1 heterozygote.
Comment: This missense variant replaces tyrosine with phenylalanine at codon 350 of the BMPR1A protein. Computational prediction suggests that this variant may not impact protein structure and function (internally defined REVEL score threshold <= 0.5, PMID: 27666373). To our knowledge, functional studies have not been reported for this variant. This variant has not been reported in individuals affected with BMPR1A-related disorders in the literature. This variant has not been identified in the general population by the Genome Aggregation Database (gnomAD). The available evidence is insufficient to determine the role of this variant in disease conclusively. Therefore, this variant is classified as a Variant of Uncertain Significance.

This study involves interpretation of variants in research participants for the purpose of population health screening. Participant phenotype was not available at the time of variant classification. Additional details can be found in publication PMID: 35346344, PMCID: PMC8962531

Ambry Genetics
Classification: Uncertain significance for Hereditary cancer-predisposing syndrome. Last evaluated: 2020-08-18. Review status: criteria provided, single submitter. Criteria: Ambry Variant Classification Scheme 2023. Collection method: clinical testing. Allele origin: germline.
Comment: The p.Y350F variant (also known as c.1049A>T), located in coding exon 8 of the BMPR1A gene, results from an A to T substitution at nucleotide position 1049. The tyrosine at codon 350 is replaced by phenylalanine, an amino acid with highly similar properties. This missense alteration is located in a region that has a low rate of benign missense variation (Lek M et al. Nature. 2016 Aug 18;536(7616):285-91; DECIPHER: Database of Chromosomal Imbalance and Phenotype in Humans using Ensembl Resources. Firth H.V. et al. 2009. Am.J.Hum.Genet. 84, 524-533 (DOI)). This amino acid position is highly conserved in available vertebrate species. In addition, the in silico prediction for this alteration is inconclusive. Since supporting evidence is limited at this time, the clinical significance of this alteration remains unclear.